The following is an entry in ClinVar:

NM_001321120.2(TBX4):c.445T>A (p.Tyr149Asn)

Gene: TBX4 (T-box transcription factor 4; plus strand). Cytogenetic location: 17q23.2.
Variant type: single nucleotide variant.
Coding change: c.445T>A on transcript NM_001321120.2 (MANE Select); coding-DNA position 445, T replaced by A.
Protein change: p.Tyr149Asn; replaces tyrosine 149 with asparagine.
Molecular consequence: missense variant.
Genome position (GRCh38, 1-based): chr17:61,467,553, T>A. VCF-style: chr17-61467553-T-A. GRCh37 (hg19) VCF-style: chr17-59544914-T-A.
Other names: c.445T>A, p.Tyr149Asn (NM_018488.3); short protein forms Y149N.
Identifiers: ClinVar variation 2574400 (VCV002574400.1), dbSNP rs2509555329, ClinGen allele CA400471509.

ClinVar aggregate classification (germline): Uncertain significance (1 of 4 stars; one submission).

Submission:

GeneDx
Classification: Uncertain significance. Last evaluated: 2023-01-25. Review status: criteria provided, single submitter. Criteria: GeneDx Variant Classification Process June 2021. Collection method: clinical testing. Allele origin: germline. Affected: yes.
Comment: Not observed at significant frequency in large population cohorts (gnomAD); In silico analysis supports that this missense variant has a deleterious effect on protein structure/function; Has not been previously published as pathogenic or benign to our knowledge